The following is an entry in ClinVar:

NM_007294.4(BRCA1):c.2314del (p.Val772fs)

Gene: BRCA1 (BRCA1 DNA repair associated; minus strand). Cytogenetic location: 17q21.31.
Variant type: Deletion.
Coding change: c.2314del on transcript NM_007294.4 (MANE Select); coding-DNA position 2314, one base deleted (G; older notation c.2314delG).
Protein change: p.Val772fs; shifts the reading frame from valine 772.
Molecular consequence: frameshift variant. On other transcripts: intron variant (137).
Genome position (GRCh38, 1-based): chr17:43,093,217, C deleted on the plus strand (G on the coding strand, the reverse complement: BRCA1 is on the minus strand); the first of 2 consecutive C bases (chr17:43,093,217-43,093,218); deleting either gives the same sequence. VCF-style (leftmost placement, unchanged base first): chr17-43093216-AC-A. GRCh37 (hg19) VCF-style: chr17-41245233-AC-A.
Other names: 2433delG; c.2314delG (NM_007294.3); c.787+1527del (NM_007299.4, NM_001407974.1, NM_001407973.1 and 17 more transcripts); c.788-1078del (NM_001407969.1, NM_001407968.1); c.577+1527del (NM_001408492.1, NM_001408513.1, NM_001408489.1 and 9 more transcripts); c.643+1527del (NM_001408468.1, NM_001408465.1, NM_001408463.1 and 3 more transcripts); c.523+1527del (NM_001408501.1, NM_001408500.1, NM_001408497.1 and 3 more transcripts); c.646+1527del (NM_001408455.1, NM_001408466.1, NM_001408452.1 and 11 more transcripts); and 44 more; short protein forms V725fs, V772fs, V701fs, V704fs, V769fs, V644fs, V660fs, V684fs.
Identifiers: ClinVar variation 54532 (VCV000054532.20), dbSNP rs80357957, ClinGen allele CA001544.

ClinVar aggregate classification (germline): Pathogenic. Review status: reviewed by expert panel (3 of 4 stars). 7 submissions from 7 submitters: Pathogenic (1). 6 of the submissions do not count toward it. Last evaluated 2016-09-08.

Conditions:
Hereditary cancer-predisposing syndrome. Also called: Tumor predisposition; Neoplastic Syndromes, Hereditary; Hereditary Cancer Syndrome; Hereditary neoplastic syndrome. Identifiers: Orphanet 140162, MedGen C0027672, MeSH D009386, MONDO:0015356.
Hereditary breast ovarian cancer syndrome. Also called: Hereditary breast and ovarian cancer syndrome (HBOC); Hereditary breast and ovarian cancer syndrome; Hereditary breast and ovarian cancer; Hereditary breast and/or ovarian cancer syndrome; Breast and ovarian cancer; BRCA1- and BRCA2-Associated Hereditary Breast and Ovarian Cancer. Identifiers: Orphanet 145, MedGen C0677776, MeSH D061325, MONDO:0003582. Disease mechanism: loss of function.
Breast-ovarian cancer, familial, susceptibility to, 1 (BROVCA1). Also called: OVARIAN CANCER, SUSCEPTIBILITY TO; BRCA1 Hereditary Breast and Ovarian Cancer. Identifiers: Orphanet 145, MedGen C2676676, MONDO:0011450, OMIM 604370. Disease mechanism: loss of function.

Submissions (7):

Evidence-based Network for the Interpretation of Germline Mutant Alleles (ENIGMA)
Classification: Pathogenic for Breast-ovarian cancer, familial, susceptibility to, 1. Last evaluated: 2016-09-08. Review status: reviewed by expert panel. Criteria: ENIGMA BRCA1/2 Classification Criteria (2015). Collection method: curation. Allele origin: germline.
Comment: Variant allele predicted to encode a truncated non-functional protein.

GeneDx
Classification: Pathogenic. Last evaluated: 2024-12-04. Review status: criteria provided, single submitter. Criteria: GeneDx Variant Classification Process June 2021. Collection method: clinical testing. Allele origin: germline. Affected: yes. Not counted in ClinVar's aggregate classification.
Comment: Observed in a patient with breast cancer (PMID: 20104584); Frameshift variant predicted to result in protein truncation or nonsense mediated decay in a gene for which loss of function is a known mechanism of disease; Not observed at significant frequency in large population cohorts (gnomAD); Truncating variants in this gene are considered pathogenic by a well-established clinical consortium and/or database; Also known as 2433delG; This variant is associated with the following publications: (PMID: 20104584, 31853058)

Baylor Genetics
Classification: Pathogenic for Breast-ovarian cancer, familial, susceptibility to, 1. Last evaluated: 2024-02-26. Review status: criteria provided, single submitter. Criteria: ACMG Guidelines, 2015. Collection method: clinical testing. Allele origin: unknown. Not counted in ClinVar's aggregate classification.

Ambry Genetics
Classification: Pathogenic for Hereditary cancer-predisposing syndrome. Last evaluated: 2022-03-24. Review status: criteria provided, single submitter. Criteria: Ambry Variant Classification Scheme 2023. Collection method: clinical testing. Allele origin: germline. Not counted in ClinVar's aggregate classification.
Comment: The c.2314delG pathogenic mutation, located in coding exon 9 of the BRCA1 gene, results from a deletion of one nucleotide at nucleotide position 2314, causing a translational frameshift with a predicted alternate stop codon (p.V772Yfs*20). This alteration is expected to result in loss of function by premature protein truncation or nonsense-mediated mRNA decay. As such, this alteration is interpreted as a disease-causing mutation.

Quest Diagnostics Nichols Institute San Juan Capistrano
Classification: Pathogenic. Last evaluated: 2021-03-08. Review status: criteria provided, single submitter. Criteria: Quest Diagnostics criteria. Collection method: clinical testing. Allele origin: unknown. Not counted in ClinVar's aggregate classification.
Comment: This frameshift variant causes the premature termination of BRCA1 protein synthesis. In addition, it has been reported in an individual affected with breast cancer in the published literature (PMID: 20104584 (2010)). This variant has not been reported in large, multi-ethnic general populations. Therefore, the variant is classified as pathogenic.

Labcorp Genetics (formerly Invitae), Labcorp
Classification: Pathogenic for Hereditary breast ovarian cancer syndrome. Last evaluated: 2021-01-03. Review status: criteria provided, single submitter. Criteria: Invitae Variant Classification Sherloc (09022015). Collection method: clinical testing. Allele origin: germline. Not counted in ClinVar's aggregate classification.
Comment: For these reasons, this variant has been classified as Pathogenic. Loss-of-function variants in BRCA1 are known to be pathogenic (PMID: 20104584). This variant has been reported in an individual affected with breast cancer (PMID: 20104584). ClinVar contains an entry for this variant (Variation ID: 54532). This variant is not present in population databases (ExAC no frequency). This sequence change creates a premature translational stop signal (p.Val772Tyrfs*20) in the BRCA1 gene. It is expected to result in an absent or disrupted protein product.

Breast Cancer Information Core (BIC) (BRCA1)
Classification: Pathogenic for Breast-ovarian cancer, familial 1. Last evaluated: 2004-11-25. Review status: no assertion criteria provided. Collection method: clinical testing. Allele origin: germline. Affected: yes. Observed: 1 variant allele. Not counted in ClinVar's aggregate classification.

Literature cited by the submitters: PubMed 20104584 (cited by Quest Diagnostics Nichols Institute San Juan Capistrano and Labcorp Genetics (formerly Invitae), Labcorp).